The following is an entry in ClinVar:

ClinVar aggregate classification (germline): Likely benign. Review status: criteria provided, single submitter (1 of 4 stars). 2 submissions from 2 submitters: Likely benign (1). 1 of the submissions does not count toward it. Last evaluated 2025-09-15.

Conditions:
NOTCH2-related disorder. Also called: NOTCH2-related condition.
Hajdu-Cheney syndrome (HJCYS). Also called: ACROOSTEOLYSIS WITH OSTEOPOROSIS AND CHANGES IN SKULL AND MANDIBLE; SERPENTINE FIBULA-POLYCYSTIC KIDNEY SYNDROME; Acroosteolysis dominant type. Identifiers: Orphanet 955, MedGen C0917715, MONDO:0007057, OMIM 102500.

Allele frequency attached by ClinVar (database versions not stated): ESP Exome Variant Server 0.00015.
gnomAD v4.1: 138 of 1,613,990 alleles (0.0086%); highest among the groups gnomAD compares: Non-Finnish European, 0.011%; no homozygotes.

Submissions (2):

Labcorp Genetics (formerly Invitae), Labcorp
Classification: Likely benign for Hajdu-Cheney syndrome. Last evaluated: 2025-09-15. Review status: criteria provided, single submitter. Criteria: Invitae Variant Classification Sherloc (09022015). Collection method: clinical testing. Allele origin: germline.

PreventionGenetics, part of Exact Sciences
Classification: Likely benign for NOTCH2-related condition. Last evaluated: 2024-04-22. Review status: no assertion criteria provided. Collection method: clinical testing. Allele origin: germline. Not counted in ClinVar's aggregate classification.
Comment: This variant is classified as likely benign based on ACMG/AMP sequence variant interpretation guidelines (Richards et al. 2015 PMID: 25741868, with internal and published modifications).

NM_024408.4(NOTCH2):c.3396G>T (p.Thr1132=)

Gene: NOTCH2 (notch receptor 2; minus strand). Cytogenetic location: 1p12.
Variant type: single nucleotide variant.
Coding change: c.3396G>T on transcript NM_024408.4 (MANE Select); coding-DNA position 3396, G replaced by T.
Protein change: p.Thr1132=; no amino-acid change (threonine 1132 retained).
Molecular consequence: synonymous variant.
Genome position (GRCh38, 1-based): chr1:119,937,408, C>A on the plus strand (G>T on the coding strand, the complement: NOTCH2 is on the minus strand). VCF-style: chr1-119937408-C-A. GRCh37 (hg19) VCF-style: chr1-120480031-C-A.
Other names: c.3396G>T (NM_024408.3); c.3396G>T, p.Thr1132= (NM_001200001.2).
Identifiers: ClinVar variation 1955355 (VCV001955355.6), dbSNP rs140630687, ClinGen allele CA1040073.